The following is an entry in ClinVar:

NM_000545.8(HNF1A):c.527-1G>A

Gene: HNF1A (HNF1 homeobox A; plus strand). Cytogenetic location: 12q24.31.
Variant type: single nucleotide variant.
Coding change: c.527-1G>A on transcript NM_000545.8 (MANE Select); the canonical splice acceptor site of the intron before coding-DNA position 527, G replaced by A.
Molecular consequence: splice acceptor variant.
Genome position (GRCh38, 1-based): chr12:120,993,519, G>A. VCF-style: chr12-120993519-G-A. GRCh37 (hg19) VCF-style: chr12-121431322-G-A.
Other names: NM_000545.6(HNF1A):c.527-1G>A; c.527-1G>A (NM_001306179.2, NM_001406915.1).
Identifiers: ClinVar variation 449035 (VCV000449035.25), dbSNP rs1555211904, ClinGen allele CA386963414.
Genomic context (GRCh38, chr12:120,993,519, plus strand): 5'-GGAATGGACGTGGGAAGGTGAGAGTGGCCAGTACCCCACTCACGGCTTTCTGTGCCTGCA[G>A]AGTTCACCCATGCAGGGCAGGGAGGGCTGATTGAAGAGCCCACAGGTGATGAGCTACCAA-3'

ClinVar aggregate classification (germline): Pathogenic. Review status: reviewed by expert panel (3 of 4 stars). 7 submissions from 7 submitters: Pathogenic (1). 6 of the submissions do not count toward it. Last evaluated 2022-04-10.

Conditions:
Monogenic diabetes. Identifiers: Orphanet 183625, MedGen C3888631, MONDO:0015967.
Maturity-onset diabetes of the young (MODY). Also called: Maturity onset diabetes mellitus in young. Identifiers: Orphanet 552, MedGen C0342276, MONDO:0018911, HP:0004904.
Maturity-onset diabetes of the young type 3. Also called: MODY type 3; MODY, type III. Identifiers: Orphanet 552, MedGen C1838100, MeSH C563933, MONDO:0010894, OMIM 600496. Disease mechanism: loss of function.

Allele frequency attached by ClinVar (database versions not stated): gnomAD exomes below 0.00001; TOPMed below 0.00001.
gnomAD v4.1: 1 of 1,613,924 alleles (0.000062%); highest among the groups gnomAD compares: Non-Finnish European, 0.000085%; no homozygotes.

Submissions (7):

ClinGen Monogenic Diabetes Variant Curation Expert Panel
Classification: Pathogenic for Monogenic diabetes. Last evaluated: 2022-04-10. Review status: reviewed by expert panel. Criteria: ClinGen Diabetes ACMG Specifications v1 1. Collection method: curation. Allele origin: germline. Inheritance: Autosomal dominant inheritance.
Comment: The c.527-1G>A variant in the HNF1 homeobox A gene, HNF1A, is predicted to remove a canonical splice acceptor site in intron 2 of NM_000545.8. This variant is predicted to cause skipping of biologically-relevant exon 3 of 10, resulting in a frameshift, leading to nonsense mediated decay in a gene in which loss-of-function is an established disease mechanism (PVS1; PMID: 23348805). Also, this variant is absent from gnomAD v2.1.1 (PM2_Supporting). This variant was identified in 5 unrelated individuals with non- autoimmune and non-absolute/near-absolute insulin-deficient diabetes (PS4_Moderate; PMID: 10588527, internal lab contributors). Additionally, this variant was identified in at least 2 individuals with a clinical history suggestive of HNF1A-MODY (MODY probability calculator result >50% and negative genetic testing for HNF4A), including one considered highly specific based on sulfonylurea-responsiveness (PP4_Moderate; internal lab contributors). This variant segregated with diabetes, with 7 informative meioses in 2 families with MODY (PP1_Strong; PMID: 10588527, internal lab contributors). In summary, c.527-1G>A meets the criteria to be classified as pathogenic for monogenic diabetes. ACMG/AMP criteria applied, as specified by the ClinGen MDEP (specification version 1.0, approved 9/30/2021): PVS1, PM2_Supporting, PS4_Moderate, PP4_Moderate, PP1_Strong.

Labcorp Genetics (formerly Invitae), Labcorp
Classification: Pathogenic. Last evaluated: 2026-01-11. Review status: criteria provided, single submitter. Criteria: Invitae Variant Classification Sherloc (09022015). Collection method: clinical testing. Allele origin: germline. Not counted in ClinVar's aggregate classification.
Comment: This sequence change affects an acceptor splice site in intron 2 of the HNF1A gene. It is expected to disrupt RNA splicing. Variants that disrupt the donor or acceptor splice site typically lead to a loss of protein function (PMID: 16199547), and loss-of-function variants in HNF1A are known to be pathogenic (PMID: 15928245, 18003757). This variant is not present in population databases (gnomAD no frequency). Disruption of this splice site has been observed in individual(s) with HNF1A-related conditions (PMID: 10588527). It has also been observed to segregate with disease in related individuals. This variant is also known as IVS2nt-1G>A. ClinVar contains an entry for this variant (Variation ID: 449035). Algorithms developed to predict the effect of sequence changes on RNA splicing suggest that this variant may disrupt the consensus splice site. For these reasons, this variant has been classified as Pathogenic.

GeneDx
Classification: Pathogenic. Last evaluated: 2025-02-18. Review status: criteria provided, single submitter. Criteria: GeneDx Variant Classification Process June 2021. Collection method: clinical testing. Allele origin: germline. Affected: yes. Not counted in ClinVar's aggregate classification.
Comment: Canonical splice site variant predicted to result in a null allele in a gene for which loss of function is a known mechanism of disease; Not observed at significant frequency in large population cohorts (gnomAD); This variant is associated with the following publications: (PMID: 25525159, 11315828, 36257325, 36208030, 35328643, 35673428, 10588527)

Women's Health and Genetics/Laboratory Corporation of America, LabCorp
Classification: Pathogenic for Maturity-onset diabetes of the young. Last evaluated: 2023-12-22. Review status: criteria provided, single submitter. Criteria: LabCorp Variant Classification Summary - May 2015. Collection method: clinical testing. Allele origin: germline. Not counted in ClinVar's aggregate classification.
Comment: Variant summary: HNF1A c.527-1G>A is located in a canonical splice-site and is predicted to affect mRNA splicing resulting in a significantly altered protein due to either exon skipping, shortening, or inclusion of intronic material. Several computational tools predict a significant impact on normal splicing: Four predict the variant abolishes a canonical 3' splice acceptor site, and two predict the variant creates a cryptic 3' acceptor site. However, these predictions have yet to be confirmed by functional studies. The variant was absent in 251006 control chromosomes (gnomAD). c.527-1G>A has been reported in the literature in multiple individuals affected with Maturity Onset Diabetes Of The Young 3 with evidence of cosegregation with disease (Ng_1999, Mirshahi_2022). These data indicate that the variant is very likely to be associated with disease. The following publications have been ascertained in the context of this evaluation (PMID: 10588527, 36257325). Five submitters, including a ClinGen expert panel, have cited clinical-significance assessments for this variant to ClinVar after 2014. All submitters classified the variant as pathogenic. Based on the evidence outlined above, the variant was classified as pathogenic.

Athena Diagnostics
Classification: Pathogenic. Last evaluated: 2023-12-06. Review status: criteria provided, single submitter. Criteria: Athena Diagnostics Criteria. Collection method: clinical testing. Allele origin: unknown. Not counted in ClinVar's aggregate classification.
Comment: This variant is expected to severely impact normal RNA splicing, and consequently, protein structure and/or function. This variant has been identified in at least one individual with clinical features associated with this gene. This variant has not been reported in large, multi-ethnic general populations.

Geisinger Clinic, Geisinger Health System
Classification: Pathogenic for Maturity-onset diabetes of the young type 3. Last evaluated: 2022-08-02. Review status: criteria provided, single submitter. Criteria: ACMG Guidelines, 2015. Collection method: research. Allele origin: germline. Inheritance: Autosomal dominant inheritance. Affected: yes. Observed: 1 variant allele. Not counted in ClinVar's aggregate classification.
Comment: PVS1, PM2, PP3, PP4, PS4_Moderate, PP1_Strong

Clinical Genomics, Uppaluri K&H Personalized Medicine Clinic
Classification: Likely pathogenic for Maturity-onset diabetes of the young. Review status: criteria provided, single submitter. Criteria: K & H Uppaluri Personalized Medicine Clinic Variant Classification & Assertion Criteria_Updated V.1. Collection method: research. Allele origin: unknown. Inheritance: Autosomal dominant inheritance. Not counted in ClinVar's aggregate classification.
Comment: Mutations in HNF1A gene can predispose to MODY3. It is associated with both micro and macrovascular complications of diabetes, especially cardiovascular complications. Associated with glucosuria. May respond well to sulfonylureas. However, more evidence is required to confer the association of this particular variant rs1555211904 with MODY3.

Literature cited by the submitters: PubMed 16199547 (cited by Labcorp Genetics (formerly Invitae), Labcorp); PubMed 15928245 (cited by Labcorp Genetics (formerly Invitae), Labcorp); PubMed 18003757 (cited by Labcorp Genetics (formerly Invitae), Labcorp); PubMed 10588527 (cited by 3 submitters); PubMed 36257325 (cited by Women's Health and Genetics/Laboratory Corporation of America, LabCorp and Geisinger Clinic, Geisinger Health System); PubMed 11315828 (cited by Athena Diagnostics); PubMed 31517624 (cited by Clinical Genomics, Uppaluri K&H Personalized Medicine Clinic); PubMed 32395877 (cited by Clinical Genomics, Uppaluri K&H Personalized Medicine Clinic); PubMed 35328643 (cited by Clinical Genomics, Uppaluri K&H Personalized Medicine Clinic); PubMed 35673428 (cited by Clinical Genomics, Uppaluri K&H Personalized Medicine Clinic).